The following is an entry in ClinVar:

ClinVar aggregate classification (germline): Benign (1 of 4 stars; one submission).

Allele frequency attached by ClinVar (database versions not stated): 1000 Genomes Project 30x 0.30809; 1000 Genomes Project 0.31070; TOPMed 0.33317; gnomAD 0.33562 and 0.33666.
gnomAD v4.1: 51,269 of 152,022 alleles (34%); highest among the groups gnomAD compares: Middle Eastern, 44%; 9,148 homozygotes.

Submissions (9):

GeneDx
Classification: Benign. Last evaluated: 2018-06-16. Review status: criteria provided, single submitter. Criteria: GeneDx Variant Classification (06012015). Collection method: clinical testing. Allele origin: germline. Affected: yes.
Comment: This variant is considered likely benign or benign based on one or more of the following criteria: it is a conservative change, it occurs at a poorly conserved position in the protein, it is predicted to be benign by multiple in silico algorithms, and/or has population frequency not consistent with disease.

Dr. Peter K. Rogan Lab, Western University
No classification provided (evidence only). Condition: Lung cancer. Review status: no classification provided. Collection method: in vitro. Allele origin: not applicable. Functional consequence: retained intron. Not counted in ClinVar's aggregate classification.

Dr. Peter K. Rogan Lab, Western University
No classification provided (evidence only). Condition: Lung cancer. Review status: no classification provided. Collection method: in vitro. Allele origin: not applicable. Functional consequence: retained intron. Not counted in ClinVar's aggregate classification.

Dr. Peter K. Rogan Lab, Western University
No classification provided (evidence only). Condition: Cholangiocarcinoma. Review status: no classification provided. Collection method: in vitro. Allele origin: not applicable. Functional consequence: retained intron. Not counted in ClinVar's aggregate classification.

Dr. Peter K. Rogan Lab, Western University
No classification provided (evidence only). Condition: Cholangiocarcinoma. Review status: no classification provided. Collection method: in vitro. Allele origin: not applicable. Functional consequence: retained intron. Not counted in ClinVar's aggregate classification.

Dr. Peter K. Rogan Lab, Western University
No classification provided (evidence only). Condition: Cholangiocarcinoma. Review status: no classification provided. Collection method: in vitro. Allele origin: not applicable. Functional consequence: retained intron. Not counted in ClinVar's aggregate classification.

Dr. Peter K. Rogan Lab, Western University
No classification provided (evidence only). Condition: Gastric cancer. Review status: no classification provided. Collection method: in vitro. Allele origin: not applicable. Functional consequence: retained intron. Not counted in ClinVar's aggregate classification.

Dr. Peter K. Rogan Lab, Western University
No classification provided (evidence only). Condition: Uterine carcinosarcoma. Review status: no classification provided. Collection method: in vitro. Allele origin: not applicable. Functional consequence: retained intron. Not counted in ClinVar's aggregate classification.

Dr. Peter K. Rogan Lab, Western University
No classification provided (evidence only). Condition: Uterine carcinosarcoma. Review status: no classification provided. Collection method: in vitro. Allele origin: not applicable. Functional consequence: retained intron. Not counted in ClinVar's aggregate classification.

NM_001184.4(ATR):c.2342-175A>G

Gene: ATR (ATR checkpoint kinase; minus strand). Cytogenetic location: 3q23.
Variant type: single nucleotide variant.
Coding change: c.2342-175A>G on transcript NM_001184.4 (MANE Select); 175 bases into the intron before coding-DNA position 2342, A replaced by G.
Molecular consequence: intron variant.
Genome position (GRCh38, 1-based): chr3:142,554,190, T>C on the plus strand (A>G on the coding strand, the complement: ATR is on the minus strand). VCF-style: chr3-142554190-T-C. GRCh37 (hg19) VCF-style: chr3-142273032-T-C.
Other names: NC_000003.11:g.142273032T>C; c.2150-175A>G (NM_001354579.2).
Identifiers: ClinVar variation 670439 (VCV000670439.2), dbSNP rs13070239, ClinGen allele CA84746608.